The following is an entry in ClinVar:

NM_006267.5(RANBP2):c.5063G>C (p.Cys1688Ser)

Gene: RANBP2 (RAN binding protein 2; plus strand). Cytogenetic location: 2q13.
Variant type: single nucleotide variant.
Coding change: c.5063G>C on transcript NM_006267.5 (MANE Select); coding-DNA position 5063, G replaced by C.
Protein change: p.Cys1688Ser; replaces cysteine 1688 with serine.
Molecular consequence: missense variant.
Genome position (GRCh38, 1-based): chr2:108,765,602, G>C. VCF-style: chr2-108765602-G-C. GRCh37 (hg19) VCF-style: chr2-109382058-G-C.
Other names: c.5063G>C, p.Cys1688Ser (NM_001415871.1, NM_001415873.1); c.5060G>C, p.Cys1687Ser (NM_001415872.1); short protein forms C1687S, C1688S.
Identifiers: ClinVar variation 5006054 (VCV005006054.2).

ClinVar aggregate classification (germline): Uncertain significance (1 of 4 stars; one submission).

Conditions:
Familial acute necrotizing encephalopathy (IIAE3). Also called: ENCEPHALOPATHY, ACUTE, INFECTION-INDUCED, SUSCEPTIBILITY TO, 3; Susceptibility to Acute Necrotizing Encephalopathy 1. Identifiers: Orphanet 88619, MedGen C2675556, MONDO:0011953, OMIM 608033.

Submission:

Juno Genomics, Hangzhou Juno Genomics, Inc
Classification: Uncertain significance for Familial acute necrotizing encephalopathy. Review status: criteria provided, single submitter. Criteria: ACMG Guidelines, 2015. Collection method: clinical testing. Allele origin: germline.
Comment: Absent from controls (or at extremely low frequency if recessive) in Genome Aggregation Database.;Missense variant in a gene that has a low rate of benign missense variation.;Multiple lines of computational evidence support a deleterious effect on the gene or gene product.